The following is an entry in ClinVar:

NM_152564.5(VPS13B):c.2234C>T (p.Thr745Met)

Gene: VPS13B (vacuolar protein sorting 13 homolog B; plus strand). Cytogenetic location: 8q22.2.
Variant type: single nucleotide variant.
Coding change: c.2234C>T on transcript NM_152564.5 (MANE Select); coding-DNA position 2234, C replaced by T.
Protein change: p.Thr745Met; replaces threonine 745 with methionine.
Molecular consequence: missense variant.
Genome position (GRCh38, 1-based): chr8:99,170,064, C>T. VCF-style: chr8-99170064-C-T. GRCh37 (hg19) VCF-style: chr8-100182292-C-T.
Other names: c.2234C>T, p.Thr745Met (NM_015243.3, NM_017890.5); c.2234C>T (NM_017890.3); short protein forms T745M.
Identifiers: ClinVar variation 909190 (VCV000909190.8), dbSNP rs199574731, ClinGen allele CA4822855.

ClinVar aggregate classification (germline): Uncertain significance. Review status: criteria provided, multiple submitters, no conflicts (2 of 4 stars). 5 submissions from 5 submitters: Uncertain significance (5). Last evaluated 2024-07-18.

Conditions:
Cohen syndrome (COH1). Also called: Cutis verticis gyrata, retinitis pigmentosa, and sensorineural deafness; PEPPER SYNDROME. Identifiers: Orphanet 193, MedGen C0265223, MONDO:0008999, OMIM 216550.

Allele frequency attached by ClinVar (database versions not stated): ExAC 0.00001; gnomAD exomes 0.00002; TOPMed 0.00002; gnomAD 0.00003 and 0.00004.
gnomAD v4.1: 28 of 1,612,722 alleles (0.0017%); highest among the groups gnomAD compares: African/African-American, 0.004%; no homozygotes.

Submissions (5):

Blueprint Genetics
Classification: Uncertain significance. Last evaluated: 2024-07-18. Review status: criteria provided, single submitter. Criteria: ACMG Guidelines, 2015. Collection method: clinical testing. Allele origin: germline.

GeneDx
Classification: Uncertain significance. Last evaluated: 2023-10-31. Review status: criteria provided, single submitter. Criteria: GeneDx Variant Classification Process June 2021. Collection method: clinical testing. Allele origin: germline. Affected: yes.
Comment: Not observed at significant frequency in large population cohorts (gnomAD); In silico analysis supports that this missense variant has a deleterious effect on protein structure/function; Has not been previously published as pathogenic or benign to our knowledge

Labcorp Genetics (formerly Invitae), Labcorp
Classification: Uncertain significance for Cohen syndrome. Last evaluated: 2022-01-28. Review status: criteria provided, single submitter. Criteria: Invitae Variant Classification Sherloc (09022015). Collection method: clinical testing. Allele origin: germline.
Comment: This sequence change replaces threonine, which is neutral and polar, with methionine, which is neutral and non-polar, at codon 745 of the VPS13B protein (p.Thr745Met). This variant is present in population databases (rs199574731, gnomAD 0.008%). This variant has not been reported in the literature in individuals affected with VPS13B-related conditions. ClinVar contains an entry for this variant (Variation ID: 909190). Algorithms developed to predict the effect of missense changes on protein structure and function are either unavailable or do not agree on the potential impact of this missense change (SIFT: "Not Available"; PolyPhen-2: "Probably Damaging"; Align-GVGD: "Not Available"). In summary, the available evidence is currently insufficient to determine the role of this variant in disease. Therefore, it has been classified as a Variant of Uncertain Significance.

Fulgent Genetics
Classification: Uncertain significance for Cohen syndrome. Last evaluated: 2021-07-27. Review status: criteria provided, single submitter. Criteria: ACMG Guidelines, 2015. Collection method: clinical testing. Allele origin: unknown.

Illumina Laboratory Services, Illumina
Classification: Uncertain significance for Cohen syndrome. Last evaluated: 2018-01-12. Review status: criteria provided, single submitter. Criteria: ICSL Variant Classification Criteria 13 December 2019. Collection method: clinical testing. Allele origin: germline.